The following is an entry in ClinVar:

NM_015102.5(NPHP4):c.143T>C (p.Leu48Pro)

Gene: NPHP4 (nephrocystin 4; minus strand). Cytogenetic location: 1p36.31.
Variant type: single nucleotide variant.
Coding change: c.143T>C on transcript NM_015102.5 (MANE Select); coding-DNA position 143, T replaced by C.
Protein change: p.Leu48Pro; replaces leucine 48 with proline.
Molecular consequence: missense variant. On other transcripts: 5 prime UTR variant (1), non-coding transcript variant (1), intron variant (1).
Genome position (GRCh38, 1-based): chr1:5,978,406, A>G on the plus strand (T>C on the coding strand, the complement: NPHP4 is on the minus strand). VCF-style: chr1-5978406-A-G. GRCh37 (hg19) VCF-style: chr1-6038466-A-G.
Other names: c.-1087T>C (NM_001291593.2); c.-1087-9147T>C (NM_001291594.2); c.143T>C (NM_015102.3); short protein forms L48P.
Identifiers: ClinVar variation 1040891 (VCV001040891.9), dbSNP rs374239338, ClinGen allele CA554917.

ClinVar aggregate classification (germline): Uncertain significance. Review status: criteria provided, multiple submitters, no conflicts (2 of 4 stars). 4 submissions from 4 submitters: Uncertain significance (4). Last evaluated 2024-11-19.

Conditions:
Inborn genetic diseases. Identifiers: MedGen C0950123, MeSH D030342.
Senior-Loken syndrome 4 (SLSN4). Identifiers: Orphanet 3156, MedGen C1846979, MONDO:0011756, OMIM 606996.
Nephronophthisis 4 (NPHP4). Also called: NEPHRONOPHTHISIS 4, JUVENILE. Identifiers: Orphanet 655, MedGen C1847013, MONDO:0011752, OMIM 606966.
Nephronophthisis. Also called: Juvenile Nephronophthisis. Identifiers: Orphanet 655, MedGen C0687120, MONDO:0019005, HP:0000090.

Allele frequency attached by ClinVar (database versions not stated): gnomAD 0.00003; gnomAD exomes 0.00003 and 0.00006; TOPMed 0.00003; ExAC 0.00004; ESP Exome Variant Server 0.00008.
gnomAD v4.1: 88 of 1,602,430 alleles (0.0055%); highest among the groups gnomAD compares: Non-Finnish European, 0.0071%; no homozygotes.

Submissions (4):

Blueprint Genetics
Classification: Uncertain significance. Last evaluated: 2024-11-19. Review status: criteria provided, single submitter. Criteria: ACMG Guidelines, 2015. Collection method: clinical testing. Allele origin: germline.

Ambry Genetics
Classification: Uncertain significance for Inborn genetic diseases. Last evaluated: 2023-09-13. Review status: criteria provided, single submitter. Criteria: Ambry Variant Classification Scheme 2023. Collection method: clinical testing. Allele origin: germline.

Labcorp Genetics (formerly Invitae), Labcorp
Classification: Uncertain significance for Nephronophthisis. Last evaluated: 2022-03-13. Review status: criteria provided, single submitter. Criteria: Invitae Variant Classification Sherloc (09022015). Collection method: clinical testing. Allele origin: germline.
Comment: This sequence change replaces leucine, which is neutral and non-polar, with proline, which is neutral and non-polar, at codon 48 of the NPHP4 protein (p.Leu48Pro). This variant is present in population databases (rs374239338, gnomAD 0.005%). This variant has not been reported in the literature in individuals affected with NPHP4-related conditions. ClinVar contains an entry for this variant (Variation ID: 1040891). Algorithms developed to predict the effect of missense changes on protein structure and function are either unavailable or do not agree on the potential impact of this missense change (SIFT: "Deleterious"; PolyPhen-2: "Possibly Damaging"; Align-GVGD: "Class C0"). In summary, the available evidence is currently insufficient to determine the role of this variant in disease. Therefore, it has been classified as a Variant of Uncertain Significance.

Fulgent Genetics
Classification: Uncertain significance for Nephronophthisis 4; Senior-Loken syndrome 4. Last evaluated: 2021-07-08. Review status: criteria provided, single submitter. Criteria: ACMG Guidelines, 2015. Collection method: clinical testing. Allele origin: unknown.